The following is an entry in ClinVar:

NM_001482.3(GATM):c.1118A>G (p.Asp373Gly)

Gene: GATM (glycine amidinotransferase; minus strand). Cytogenetic location: 15q21.1.
Variant type: single nucleotide variant.
Coding change: c.1118A>G on transcript NM_001482.3 (MANE Select); coding-DNA position 1118, A replaced by G.
Protein change: p.Asp373Gly; replaces aspartic acid 373 with glycine.
Molecular consequence: missense variant.
Genome position (GRCh38, 1-based): chr15:45,363,941, T>C on the plus strand (A>G on the coding strand, the complement: GATM is on the minus strand). VCF-style: chr15-45363941-T-C. GRCh37 (hg19) VCF-style: chr15-45656139-T-C.
Other names: c.731A>G, p.Asp244Gly (NM_001321015.2); short protein forms D244G, D373G.
Identifiers: ClinVar variation 2782664 (VCV002782664.3), dbSNP rs1889405958, ClinGen allele CA392255610.
Genomic context (GRCh38, chr15:45,363,941, plus strand): 5'-TTTCATTTGTTGTACATACCCAGCTTTTCAAACATCTTTTGAATTGGAACTTCATTGGCA[T>C]CCACCATAACACGTTTTTCATCTAGCATTAAGACATTCATGGAAAGCCATTTGGATGACA-3'
Protein context (NP_001473.1, residues 363-383): LMLDEKRVMV[Asp373Gly]ANEVPIQKMF

ClinVar aggregate classification (germline): Uncertain significance (1 of 4 stars; one submission).

Conditions:
Arginine:glycine amidinotransferase deficiency (CCDS3). Also called: L-Arginine:Glycine Amidinotransferase (AGAT) Deficiency; AGAT deficiency; L-Arginine:Glycine Amidinotransferase Deficiency; Cerebral creatine deficiency syndrome 3; Creatine deficiency syndrome due to AGAT deficiency; GATM deficiency. Identifiers: Orphanet 35704, MedGen C2675179, MONDO:0012996, OMIM 612718.

Submission:

Labcorp Genetics (formerly Invitae), Labcorp
Classification: Uncertain significance for Arginine:glycine amidinotransferase deficiency. Last evaluated: 2023-10-29. Review status: criteria provided, single submitter. Criteria: Invitae Variant Classification Sherloc (09022015). Collection method: clinical testing. Allele origin: germline.
Comment: This sequence change replaces aspartic acid, which is acidic and polar, with glycine, which is neutral and non-polar, at codon 373 of the GATM protein (p.Asp373Gly). This variant is not present in population databases (gnomAD no frequency). This variant has not been reported in the literature in individuals affected with GATM-related conditions. Advanced modeling of protein sequence and biophysical properties (such as structural, functional, and spatial information, amino acid conservation, physicochemical variation, residue mobility, and thermodynamic stability) performed at Invitae indicates that this missense variant is not expected to disrupt GATM protein function with a negative predictive value of 80%. In summary, the available evidence is currently insufficient to determine the role of this variant in disease. Therefore, it has been classified as a Variant of Uncertain Significance.